The following is an entry in ClinVar:

ClinVar aggregate classification (germline): Benign/Likely benign. Review status: criteria provided, multiple submitters, no conflicts (2 of 4 stars). 4 submissions from 4 submitters: Benign (2); Likely benign (2). Last evaluated 2026-02-01.

Conditions:
Progressive sclerosing poliodystrophy (MTDPS4A). Also called: Alpers Syndrome; Mitochondrial DNA depletion syndrome 4A (Alpers type); Alpers-Huttenlocher Syndrome (AHS); ALPERS PROGRESSIVE INFANTILE POLIODYSTROPHY; Mitochondrial DNA Depletion Syndrome 4A; NEURONAL DEGENERATION OF CHILDHOOD WITH LIVER DISEASE, PROGRESSIVE. Identifiers: Orphanet 726, MedGen C0205710, MONDO:0008758, OMIM 203700.

Allele frequency attached by ClinVar (database versions not stated): gnomAD exomes 0.00010 and 0.00033; ExAC 0.00033; 1000 Genomes Project 30x 0.00094; 1000 Genomes Project 0.00100; gnomAD 0.00111 and 0.00117; TOPMed 0.00124; ESP Exome Variant Server 0.00192.
gnomAD v4.1: 317 of 1,547,266 alleles (0.02%); highest among the groups gnomAD compares: African/African-American, 0.32%; 1 homozygote.

Submissions (4):

Labcorp Genetics (formerly Invitae), Labcorp
Classification: Benign for Progressive sclerosing poliodystrophy. Last evaluated: 2026-02-01. Review status: criteria provided, single submitter. Criteria: Invitae Variant Classification Sherloc (09022015). Collection method: clinical testing. Allele origin: germline.

Blueprint Genetics
Classification: Likely benign. Last evaluated: 2024-09-17. Review status: criteria provided, single submitter. Criteria: ACMG Guidelines, 2015. Collection method: clinical testing. Allele origin: germline.

Wong Mito Lab, Molecular and Human Genetics, Baylor College of Medicine
Classification: Likely benign for Progressive sclerosing poliodystrophy. Last evaluated: 2018-10-01. Review status: criteria provided, single submitter. Criteria: ACMG Guidelines, 2015. Collection method: clinical testing. Allele origin: germline.
Comment: The NM_002693.2:c.1949+20G>C (NP_002684.1:p.=) [GRCH38: NC_000015.10:g.89325430C>G] variant in POLG gene is interpretated to be a Likely Benign based on ACMG guidelines (PMID: 25741868). This variant meets the following evidence codes reported in the ACMG-guideline. BS1:The minor allele frequency of this allele is high for Mitochondrial DNA depletion syndrome 4A (Alpers type). BP4:Computational evidence/predictors indicate no impact on the POLG structure, function, or protein-protein interaction. BP6:Reputable source(s) without shared data suggest the variant is benign. Based on the evidence criteria codes applied, the variant is suggested to be Likely Benign.

GeneDx
Classification: Benign. Last evaluated: 2013-06-26. Review status: criteria provided, single submitter. Criteria: GeneDx Variant Classification (06012015). Collection method: clinical testing. Allele origin: germline. Affected: yes.
Comment: This variant is considered likely benign or benign based on one or more of the following criteria: it is a conservative change, it occurs at a poorly conserved position in the protein, it is predicted to be benign by multiple in silico algorithms, and/or has population frequency not consistent with disease.

NM_002693.3(POLG):c.1949+20G>C

Gene: POLG (DNA polymerase gamma, catalytic subunit; minus strand). Cytogenetic location: 15q26.1.
Variant type: single nucleotide variant.
Coding change: c.1949+20G>C on transcript NM_002693.3 (MANE Select); 20 bases into the intron after coding-DNA position 1949, G replaced by C.
Molecular consequence: intron variant.
Genome position (GRCh38, 1-based): chr15:89,325,430, C>G on the plus strand (G>C on the coding strand, the complement: POLG is on the minus strand). VCF-style: chr15-89325430-C-G. GRCh37 (hg19) VCF-style: chr15-89868661-C-G.
Other names: c.1949+20G>C (NM_001126131.2).
Identifiers: ClinVar variation 138781 (VCV000138781.11), dbSNP rs371964664, ClinGen allele CA292884.